The following is an entry in ClinVar:

NM_181507.2(HPS5):c.1634+2T>C

Gene: HPS5 (HPS5 biogenesis of lysosomal organelles complex 2 subunit 2; minus strand). Cytogenetic location: 11p15.1.
Variant type: single nucleotide variant.
Coding change: c.1634+2T>C on transcript NM_181507.2 (MANE Select); the canonical splice donor site of the intron after coding-DNA position 1634, T replaced by C.
Molecular consequence: splice donor variant.
Genome position (GRCh38, 1-based): chr11:18,295,997, A>G on the plus strand (T>C on the coding strand, the complement: HPS5 is on the minus strand). VCF-style: chr11-18295997-A-G. GRCh37 (hg19) VCF-style: chr11-18317544-A-G.
Other names: c.1220+2T>C (NM_001440929.1, NM_001440928.1, NM_001440927.1); c.1292+2T>C (NM_181508.2, NM_001440921.1, NM_001440926.1 and 7 more transcripts); c.1523+2T>C (NM_001440915.1, NM_001440914.1, NM_001440913.1); c.1634+2T>C (NM_001440931.1, NM_001440917.1, NM_001440906.1 and 5 more transcripts); c.1559+2T>C (NM_001440907.1, NM_001440909.1, NM_001440908.1); c.1421+2T>C (NM_001440919.1); c.1448+2T>C (NM_001440918.1).
Identifiers: ClinVar variation 2781361 (VCV002781361.3), dbSNP rs2494706450, ClinGen allele CA379493666.

ClinVar aggregate classification (germline): Pathogenic (1 of 4 stars; one submission).

Allele frequency attached by ClinVar (database versions not stated): gnomAD exomes below 0.00001.
gnomAD v4.1: 1 of 1,613,202 alleles (0.000062%); highest among the groups gnomAD compares: African/African-American, 0.0013%; no homozygotes.

Submission:

Labcorp Genetics (formerly Invitae), Labcorp
Classification: Pathogenic. Last evaluated: 2025-01-15. Review status: criteria provided, single submitter. Criteria: Invitae Variant Classification Sherloc (09022015). Collection method: clinical testing. Allele origin: germline.
Comment: This sequence change affects a donor splice site in intron 13 of the HPS5 gene. It is expected to disrupt RNA splicing. Variants that disrupt the donor or acceptor splice site typically lead to a loss of protein function (PMID: 16199547), and loss-of-function variants in HPS5 are known to be pathogenic (PMID: 12548288, 15296495, 21833017, 26785811). This variant is not present in population databases (gnomAD no frequency). Disruption of this splice site has been observed in individual(s) with Hermansky-Pudlak syndrome (PMID: 21833017). ClinVar contains an entry for this variant (Variation ID: 2781361). Studies have shown that disruption of this splice site alters HPS5 gene expression (PMID: 21833017). Algorithms developed to predict the effect of sequence changes on RNA splicing suggest that this variant may disrupt the consensus splice site. For these reasons, this variant has been classified as Pathogenic.

Literature cited by the submitters: PubMed 16199547; PubMed 12548288; PubMed 15296495; PubMed 21833017; PubMed 26785811.